The following is an entry in ClinVar:

NM_052947.4(ALPK2):c.6328A>G (p.Thr2110Ala)

Gene: ALPK2 (alpha kinase 2; minus strand). Cytogenetic location: 18q21.31.
Variant type: single nucleotide variant.
Coding change: c.6328A>G on transcript NM_052947.4 (MANE Select); coding-DNA position 6328, A replaced by G.
Protein change: p.Thr2110Ala; replaces threonine 2110 with alanine.
Molecular consequence: missense variant.
Genome position (GRCh38, 1-based): chr18:58,482,008, T>C on the plus strand (A>G on the coding strand, the complement: ALPK2 is on the minus strand). VCF-style: chr18-58482008-T-C. GRCh37 (hg19) VCF-style: chr18-56149240-T-C.
Other names: short protein forms T2110A.
Identifiers: ClinVar variation 2626049 (VCV002626049.2), dbSNP rs2518842778, ClinGen allele CA402538737.
Genomic context (GRCh38, chr18:58,482,008, plus strand): 5'-GTCCCAGCATTTTGCAATACTTGTTACACTGGTGTAGTGCTTTAAACTGATCAATGAAGG[T>C]CATGGAACAGTTGCCTTTAAATCCCTTGTACCTGTGAGTTTGGGTGGAAGGAAACATAGC-3'
Protein context (NP_443179.3, residues 2100-2120): YKGFKGNCSM[Thr2110Ala]FIDQFKALHQ

ClinVar aggregate classification (germline): Uncertain significance (1 of 4 stars; one submission).

Submission:

Ambry Genetics
Classification: Uncertain significance. Last evaluated: 2023-09-13. Review status: criteria provided, single submitter. Criteria: Ambry Variant Classification Scheme 2023. Collection method: clinical testing. Allele origin: germline.
Comment: The p.T2110A variant (also known as c.6328A>G), located in coding exon 12 of the ALPK2 gene, results from an A to G substitution at nucleotide position 6328. The threonine at codon 2110 is replaced by alanine, an amino acid with similar properties. This amino acid position is conserved. In addition, this alteration is predicted to be tolerated by in silico analysis. Since supporting evidence is limited at this time, the clinical significance of this alteration remains unclear.